The following is an entry in ClinVar:

NM_001375405.1(CEP120):c.864T>C (p.Thr288=)

Gene: CEP120 (centrosomal protein 120; minus strand). Cytogenetic location: 5q23.2.
Variant type: single nucleotide variant.
Coding change: c.864T>C on transcript NM_001375405.1 (MANE Select); coding-DNA position 864, T replaced by C.
Protein change: p.Thr288=; no amino-acid change (threonine 288 retained).
Molecular consequence: synonymous variant. On other transcripts: non-coding transcript variant (1).
Genome position (GRCh38, 1-based): chr5:123,391,284, A>G on the plus strand (T>C on the coding strand, the complement: CEP120 is on the minus strand). VCF-style: chr5-123391284-A-G. GRCh37 (hg19) VCF-style: chr5-122726978-A-G.
Other names: c.864T>C, p.Thr288= (NM_153223.4, NM_001375406.1, NM_001375407.1); c.786T>C, p.Thr262= (NM_001166226.2); c.291T>C, p.Thr97= (NM_001375408.1, NM_001375409.1).
Identifiers: ClinVar variation 2655664 (VCV002655664.24), dbSNP rs762142512, ClinGen allele CA3387109.
Genomic context (GRCh38, chr5:123,391,284, plus strand): 5'-AGCACCTTCGACTGTGACTGGGTGCTGGTTGATTTCTGTACTGCCCTTTTTAAGTAATCC[A>G]GTTAAAGGTATTTCTGTACTTCCAAGTGACTGGTCTCCACAGCAGAGGTGAATCTAATAT-3'
Protein context (NP_001362334.1, residues 278-298): QSLGSTEIPL[Thr288=]GLLKKGSTEI

ClinVar aggregate classification (germline): Likely benign (1 of 4 stars; one submission).

Allele frequency attached by ClinVar (database versions not stated): gnomAD exomes below 0.00001; ExAC 0.00001.

Submission:

CeGaT Center for Human Genetics Tuebingen
Classification: Likely benign. Last evaluated: 2022-03-01. Review status: criteria provided, single submitter. Criteria: CeGaT Center For Human Genetics Tuebingen Variant Classification Criteria Version 2. Collection method: clinical testing. Allele origin: germline. Affected: yes. Observed: 1 variant allele.
Comment: CEP120: BP4, BP7